The following is an entry in ClinVar:

NM_203446.3(SYNJ1):c.3257T>C (p.Ile1086Thr)

Gene: SYNJ1 (synaptojanin 1; minus strand). Cytogenetic location: 21q22.11.
Variant type: single nucleotide variant.
Coding change: c.3257T>C on transcript NM_203446.3 (MANE Select); coding-DNA position 3257, T replaced by C.
Protein change: p.Ile1086Thr; replaces isoleucine 1086 with threonine.
Molecular consequence: missense variant.
Genome position (GRCh38, 1-based): chr21:32,645,780, A>G on the plus strand (T>C on the coding strand, the complement: SYNJ1 is on the minus strand). VCF-style: chr21-32645780-A-G. GRCh37 (hg19) VCF-style: chr21-34018090-A-G.
Other names: c.3257T>C, p.Ile1086Thr (NM_001160302.2); c.3242T>C, p.Ile1081Thr (NM_001160306.2); c.3374T>C, p.Ile1125Thr (NM_003895.4); short protein forms I1086T, I1081T, I1125T.
Identifiers: ClinVar variation 1959968 (VCV001959968.5), dbSNP rs2517433884, ClinGen allele CA410068607.
Genomic context (GRCh38, chr21:32,645,780, plus strand): 5'-TTGGGCTCCAAGGGCTGGGCGGGGTCTTTCTGCGGCAGCGGCGTTGCTGGCTGCGCGTCA[A>G]TAGGAGAACCTAAAAAGCGCACAGGAGGTAAGAAGATCAGCTTCTAAGTAGCTGTTGACA-3'
Protein context (NP_982271.3, residues 1076-1096): PGPPSAQSSP[Ile1086Thr]DAQPATPLPQ

ClinVar aggregate classification (germline): Uncertain significance (1 of 4 stars; one submission).

Conditions:
Developmental and epileptic encephalopathy, 53. Also called: Epileptic encephalopathy, early infantile, 53. Identifiers: MedGen C4479313, MONDO:0033362, OMIM 617389.
Early-onset Parkinson disease 20. Also called: PARKINSON DISEASE 20, AUTOSOMAL RECESSIVE EARLY-ONSET. Identifiers: Orphanet 391411, MedGen C3809824, MONDO:0014233, OMIM 615530.

Allele frequency attached by ClinVar (database versions not stated): gnomAD exomes 0.00002.
gnomAD v4.1: 7 of 1,476,164 alleles (0.00047%); highest among the groups gnomAD compares: South Asian, 0.0014%; no homozygotes.

Submission:

Labcorp Genetics (formerly Invitae), Labcorp
Classification: Uncertain significance for Developmental and epileptic encephalopathy, 53; Early-onset Parkinson disease 20. Last evaluated: 2022-06-27. Review status: criteria provided, single submitter. Criteria: Invitae Variant Classification Sherloc (09022015). Collection method: clinical testing. Allele origin: germline.
Comment: In summary, the available evidence is currently insufficient to determine the role of this variant in disease. Therefore, it has been classified as a Variant of Uncertain Significance. Algorithms developed to predict the effect of missense changes on protein structure and function (SIFT, PolyPhen-2, Align-GVGD) all suggest that this variant is likely to be tolerated. This variant has not been reported in the literature in individuals affected with SYNJ1-related conditions. This variant is not present in population databases (gnomAD no frequency). This sequence change replaces isoleucine, which is neutral and non-polar, with threonine, which is neutral and polar, at codon 1125 of the SYNJ1 protein (p.Ile1125Thr).